The following is an entry in ClinVar:

ClinVar aggregate classification (germline): Uncertain significance (1 of 4 stars; one submission).

Submission:

GeneDx
Classification: Uncertain significance. Last evaluated: 2024-02-05. Review status: criteria provided, single submitter. Criteria: GeneDx Variant Classification Process June 2021. Collection method: clinical testing. Allele origin: germline. Affected: yes.
Comment: Not observed at significant frequency in large population cohorts (gnomAD); In silico analysis supports that this missense variant does not alter protein structure/function; Has not been previously published as pathogenic or benign to our knowledge

NM_002240.5(KCNJ6):c.347A>T (p.Tyr116Phe)

Genes: KCNJ6 (potassium inwardly rectifying channel subfamily J member 6; minus strand), KCNJ6-AS1 (KCNJ6 antisense RNA 1; plus strand). Cytogenetic location: 21q22.13.
Variant type: single nucleotide variant.
Coding change: c.347A>T on transcript NM_002240.5 (MANE Select); coding-DNA position 347, A replaced by T.
Protein change: p.Tyr116Phe; replaces tyrosine 116 with phenylalanine.
Molecular consequence: missense variant. On other transcripts: non-coding transcript variant (1).
Genome position (GRCh38, 1-based): chr21:37,714,810, T>A on the plus strand (A>T on the coding strand, the complement: KCNJ6 is on the minus strand). VCF-style: chr21-37714810-T-A. GRCh37 (hg19) VCF-style: chr21-39087113-T-A.
Other names: short protein forms Y116F.
Identifiers: ClinVar variation 3253047 (VCV003253047.1), dbSNP rs2518197065.